The following is an entry in ClinVar:

ClinVar aggregate classification (germline): Uncertain significance (1 of 4 stars; one submission).

Submission:

Biesecker Lab/Clinical Genomics Section, National Institutes of Health
Classification: Uncertain significance. Last evaluated: 2013-06-24. Review status: criteria provided, single submitter. Criteria: Ng et al. (Circ Cardiovasc Genet. 2013). Collection method: research. Allele origin: unknown. Observed: 1 variant allele. Study: ClinSeq.
Comment: The study set was not selected for affection status in relation to any cancer. Pathogenicity categories were based on literature curation. See Pubmed ID:23861362 for details.

Medical sequencing

NM_001943.5(DSG2):c.1346T>G (p.Leu449Arg)

Gene: DSG2 (desmoglein 2; plus strand). Cytogenetic location: 18q12.1.
Variant type: single nucleotide variant.
Coding change: c.1346T>G on transcript NM_001943.5 (MANE Select); coding-DNA position 1346, T replaced by G.
Protein change: p.Leu449Arg; replaces leucine 449 with arginine.
Molecular consequence: missense variant.
Genome position (GRCh38, 1-based): chr18:31,535,335, T>G. VCF-style: chr18-31535335-T-G. GRCh37 (hg19) VCF-style: chr18-29115298-T-G.
Other names: c.1346T>G (LRG_397t1); short protein forms L449R.
Identifiers: ClinVar variation 191630 (VCV000191630.1), dbSNP rs786205363, ClinGen allele CA021352.